The following is an entry in ClinVar:

NM_001845.6(COL4A1):c.4022-1G>A

Gene: COL4A1 (collagen type IV alpha 1 chain; minus strand). Cytogenetic location: 13q34.
Variant type: single nucleotide variant.
Coding change: c.4022-1G>A on transcript NM_001845.6 (MANE Select); the canonical splice acceptor site of the intron before coding-DNA position 4022, G replaced by A.
Molecular consequence: splice acceptor variant.
Genome position (GRCh38, 1-based): chr13:110,164,991, C>T on the plus strand (G>A on the coding strand, the complement: COL4A1 is on the minus strand). VCF-style: chr13-110164991-C-T. GRCh37 (hg19) VCF-style: chr13-110817338-C-T.
Identifiers: ClinVar variation 1526042 (VCV001526042.3), dbSNP rs2139149392, ClinGen allele CA388660367.

ClinVar aggregate classification (germline): Likely pathogenic (1 of 4 stars; one submission).

Conditions:
Brain small vessel disease 1 with or without ocular anomalies (BSVD1). Also called: PORENCEPHALY, TYPE 1, AUTOSOMAL DOMINANT; BRAIN SMALL VESSEL DISEASE WITH HEMORRHAGE; GOULD SYNDROME 1; Brain small vessel disease with or without ocular anomalies. Identifiers: Orphanet 2940, Orphanet 36383, Orphanet 99810, MedGen C4755307, MONDO:0008289, OMIM 175780.

Submission:

3billion
Classification: Likely pathogenic for Brain small vessel disease 1 with or without ocular anomalies. Last evaluated: 2022-03-22. Review status: criteria provided, single submitter. Criteria: ACMG Guidelines, 2015. Collection method: clinical testing. Allele origin: germline. Affected: yes. Observed: 1 heterozygote.
Comment: Canonical splice site: predicted to alter splicing and result in a loss or disruption of normal protein function through nonsense-mediated decay (NMD) or protein truncation. Multiple pathogenic variants are reported downstream of the variant.It is not observed in the gnomAD v2.1.1 dataset. Therefore, this variant is classified as likely pathogenic according to the recommendation of ACMG/AMP guideline.